The following is an entry in ClinVar:

NM_006073.4(TRDN):c.463G>A (p.Glu155Lys)

Gene: TRDN (triadin; minus strand). Cytogenetic location: 6q22.31.
Variant type: single nucleotide variant.
Coding change: c.463G>A on transcript NM_006073.4 (MANE Select); coding-DNA position 463, G replaced by A.
Protein change: p.Glu155Lys; replaces glutamic acid 155 with lysine.
Molecular consequence: missense variant.
Genome position (GRCh38, 1-based): chr6:123,530,527, C>T on the plus strand (G>A on the coding strand, the complement: TRDN is on the minus strand). VCF-style: chr6-123530527-C-T. GRCh37 (hg19) VCF-style: chr6-123851672-C-T.
Other names: c.463G>A (NM_006073.2); c.463G>A, p.Glu155Lys (NM_001251987.2, NM_001256020.2, NM_001256021.2 and 1 more transcripts); short protein forms E155K.
Identifiers: ClinVar variation 1037578 (VCV001037578.11), dbSNP rs1386718060, ClinGen allele CA365568439.

ClinVar aggregate classification (germline): Uncertain significance. Review status: criteria provided, multiple submitters, no conflicts (2 of 4 stars). 2 submissions from 2 submitters: Uncertain significance (2). Last evaluated 2025-01-21.

Conditions:
Catecholaminergic polymorphic ventricular tachycardia 1. Also called: RYR2-Related Catecholaminergic Polymorphic Ventricular Tachycardia; VENTRICULAR TACHYCARDIA, STRESS-INDUCED POLYMORPHIC 1; VENTRICULAR TACHYCARDIA, CATECHOLAMINERGIC POLYMORPHIC, 1, WITH OR WITHOUT ATRIAL DYSFUNCTION AND/OR DILATED CARDIOMYOPATHY. Identifiers: Orphanet 3286, MedGen C1631597, MONDO:0011484, OMIM 604772.
Cardiovascular phenotype. Identifiers: MedGen CN230736.

Allele frequency attached by ClinVar (database versions not stated): gnomAD exomes 0.00001.
gnomAD v4.1: 3 of 1,252,392 alleles (0.00024%); highest among the groups gnomAD compares: Non-Finnish European, 0.00032%; no homozygotes.

Submissions (2):

Ambry Genetics
Classification: Uncertain significance for Cardiovascular phenotype. Last evaluated: 2025-01-21. Review status: criteria provided, single submitter. Criteria: Ambry Variant Classification Scheme 2023. Collection method: clinical testing. Allele origin: germline.
Comment: The p.E155K variant (also known as c.463G>A), located in coding exon 5 of the TRDN gene, results from a G to A substitution at nucleotide position 463. The glutamic acid at codon 155 is replaced by lysine, an amino acid with similar properties. This amino acid position is conserved. In addition, the in silico prediction for this alteration is inconclusive. Based on the available evidence, the clinical significance of this variant remains unclear.

Labcorp Genetics (formerly Invitae), Labcorp
Classification: Uncertain significance for Catecholaminergic polymorphic ventricular tachycardia 1. Last evaluated: 2022-04-11. Review status: criteria provided, single submitter. Criteria: Invitae Variant Classification Sherloc (09022015). Collection method: clinical testing. Allele origin: germline.
Comment: In summary, the available evidence is currently insufficient to determine the role of this variant in disease. Therefore, it has been classified as a Variant of Uncertain Significance. Algorithms developed to predict the effect of missense changes on protein structure and function are either unavailable or do not agree on the potential impact of this missense change (SIFT: "Tolerated"; PolyPhen-2: "Not Available"; Align-GVGD: "Class C0"). ClinVar contains an entry for this variant (Variation ID: 1037578). This variant has not been reported in the literature in individuals affected with TRDN-related conditions. This variant is present in population databases (no rsID available, gnomAD 0.003%). This sequence change replaces glutamic acid, which is acidic and polar, with lysine, which is basic and polar, at codon 155 of the TRDN protein (p.Glu155Lys).